The following is an entry in ClinVar:

ClinVar aggregate classification (germline): Conflicting classifications of pathogenicity. Review status: criteria provided, conflicting classifications (1 of 4 stars). 4 submissions from 4 submitters: Uncertain significance (1); Likely benign (3). Last evaluated 2025-11-11.

Conditions:
Adult-onset proximal spinal muscular atrophy, autosomal dominant. Also called: FINKEL LATE-ADULT TYPE SMA; Spinal muscular atrophy, late-onset, finkel type. Identifiers: Orphanet 209335, MedGen C1854058, MONDO:0008453, OMIM 182980.
Amyotrophic lateral sclerosis type 8 (ALS8). Identifiers: Orphanet 803, MedGen C1837728, MONDO:0012077, OMIM 608627.
Inborn genetic diseases. Identifiers: MedGen C0950123, MeSH D030342.
VAPB-related disorder. Also called: VAPB-related condition.

Allele frequency attached by ClinVar (database versions not stated): gnomAD exomes below 0.00001; TOPMed below 0.00001; ExAC 0.00001; gnomAD 0.00001.
gnomAD v4.1: 8 of 1,428,908 alleles (0.00056%); highest among the groups gnomAD compares: Non-Finnish European, 0.00069%; no homozygotes.

Submissions (4):

PreventionGenetics, part of Exact Sciences
Classification: Likely benign for VAPB-related condition. Last evaluated: 2025-11-11. Review status: criteria provided, single submitter. Criteria: ACMG Guidelines, 2015. Collection method: clinical testing. Allele origin: germline.
Comment: This variant is classified as likely benign based on ACMG/AMP sequence variant interpretation guidelines (Richards et al. 2015 PMID: 25741868, with internal and published modifications).

Mayo Clinic Laboratories, Mayo Clinic
Classification: Likely benign. Last evaluated: 2025-01-06. Review status: criteria provided, single submitter. Criteria: ACMG Guidelines, 2015. Collection method: clinical testing. Allele origin: germline. Observed: 1 variant allele.
Comment: BP4, BP7

Labcorp Genetics (formerly Invitae), Labcorp
Classification: Uncertain significance for Adult-onset proximal spinal muscular atrophy, autosomal dominant; Amyotrophic lateral sclerosis type 8. Last evaluated: 2024-08-15. Review status: criteria provided, single submitter. Criteria: Invitae Variant Classification Sherloc (09022015). Collection method: clinical testing. Allele origin: germline.
Comment: This sequence change affects codon 105 of the VAPB mRNA. It is a 'silent' change, meaning that it does not change the encoded amino acid sequence of the VAPB protein. It affects a nucleotide within the consensus splice site. The frequency data for this variant in the population databases is considered unreliable, as metrics indicate poor data quality at this position in the gnomAD database. This variant has not been reported in the literature in individuals affected with VAPB-related conditions. ClinVar contains an entry for this variant (Variation ID: 951278). Algorithms developed to predict the effect of sequence changes on RNA splicing suggest that this variant is not likely to affect RNA splicing. In summary, the available evidence is currently insufficient to determine the role of this variant in disease. Therefore, it has been classified as a Variant of Uncertain Significance.

Ambry Genetics
Classification: Likely benign for Inborn genetic diseases. Last evaluated: 2021-10-16. Review status: criteria provided, single submitter. Criteria: Ambry Variant Classification Scheme 2023. Collection method: clinical testing. Allele origin: germline.

NM_004738.5(VAPB):c.315A>G (p.Val105=)

Gene: VAPB (VAMP associated protein B and C; plus strand). Cytogenetic location: 20q13.32.
Variant type: single nucleotide variant.
Coding change: c.315A>G on transcript NM_004738.5 (MANE Select); coding-DNA position 315, A replaced by G.
Protein change: p.Val105=; no amino-acid change (valine 105 retained).
Molecular consequence: synonymous variant. On other transcripts: intron variant (1).
Genome position (GRCh38, 1-based): chr20:58,434,705, A>G. VCF-style: chr20-58434705-A-G. GRCh37 (hg19) VCF-style: chr20-57009761-A-G.
Other names: p.Val105=; c.212-9372A>G (NM_001195677.2).
Identifiers: ClinVar variation 951278 (VCV000951278.16), dbSNP rs757744162, ClinGen allele CA9924215.
Genomic context (GRCh38, chr20:58,434,705, plus strand): 5'-ACACAAGTTTATGGTTCAGTCTATGTTTGCTCCAACTGACACTTCAGATATGGAAGCAGT[A>G]GTAAGTACTGAATGCTTCTTATTTTTTTCAGTAACAATAATTTAAAAAACCAATTAGATA-3'
Protein context (NP_004729.1, residues 95-115): APTDTSDMEA[Val105=]WKEAKPEDLM